The following is an entry in ClinVar:

NM_000179.3(MSH6):c.3861T>G (p.Tyr1287Ter)

Gene: MSH6 (mutS homolog 6; plus strand). Cytogenetic location: 2p16.3.
Variant type: single nucleotide variant.
Coding change: c.3861T>G on transcript NM_000179.3 (MANE Select); coding-DNA position 3861, T replaced by G.
Protein change: p.Tyr1287Ter; replaces tyrosine 1287 with a stop codon.
Molecular consequence: nonsense.
Genome position (GRCh38, 1-based): chr2:47,806,511, T>G. VCF-style: chr2-47806511-T-G. GRCh37 (hg19) VCF-style: chr2-48033650-T-G.
Other names: c.3471T>G, p.Tyr1157Ter (NM_001281492.2); c.2955T>G, p.Tyr985Ter (NM_001281493.2, NM_001281494.2); short protein forms Y1157*, Y1287*, Y985*.
Identifiers: ClinVar variation 824317 (VCV000824317.13), dbSNP rs1060504739, ClinGen allele CA346761332.
Genomic context (GRCh38, chr2:47,806,511, plus strand): 5'-GGCATGCATGGTAGAAAATGAATGTGAAGACCCCAGCCAGGAGACTATTACGTTCCTCTA[T>G]AAATTCATTAAGGGAGCTTGTCCTAAAAGCTATGGCTTTAATGCAGCAAGGCTTGCTAAT-3'

ClinVar aggregate classification (germline): Pathogenic. Review status: criteria provided, multiple submitters, no conflicts (2 of 4 stars). 5 submissions from 5 submitters: Pathogenic (5). Last evaluated 2024-07-23.

Conditions:
Hereditary nonpolyposis colorectal neoplasms. Identifiers: MedGen C0009405, MeSH D003123.
Hereditary cancer-predisposing syndrome. Also called: Neoplastic Syndromes, Hereditary; Tumor predisposition; Hereditary neoplastic syndrome; Hereditary Cancer Syndrome. Identifiers: Orphanet 140162, MedGen C0027672, MeSH D009386, MONDO:0015356.
Lynch syndrome. Identifiers: Orphanet 144, MedGen C4552100, MONDO:0005835. Disease mechanism: loss of function.
Lynch syndrome 5 (LYNCH5). Also called: Colorectal cancer, hereditary nonpolyposis, type 5; Hereditary non-polyposis colorectal cancer, type 5. Identifiers: Orphanet 144, MedGen C1833477, MONDO:0013710, OMIM 614350. Disease mechanism: loss of function.

Submissions (5):

Ambry Genetics
Classification: Pathogenic for Hereditary cancer-predisposing syndrome. Last evaluated: 2024-07-23. Review status: criteria provided, single submitter. Criteria: Ambry Variant Classification Scheme 2023. Collection method: clinical testing. Allele origin: germline.
Comment: The p.Y1287* pathogenic mutation (also known as c.3861T>G), located in coding exon 9 of the MSH6 gene, results from a T to G substitution at nucleotide position 3861. This changes the amino acid from a tyrosine to a stop codon within coding exon 9. This variant is considered to be rare based on population cohorts in the Genome Aggregation Database (gnomAD). This alteration is expected to result in loss of function by premature protein truncation or nonsense-mediated mRNA decay. As such, this alteration is interpreted as a disease-causing mutation.

All of Us Research Program, National Institutes of Health
Classification: Pathogenic for Lynch syndrome. Last evaluated: 2024-01-08. Review status: criteria provided, single submitter. Criteria: ACMG Guidelines, 2015. Collection method: clinical testing. Allele origin: germline. Inheritance: Autosomal dominant inheritance. Observed: 1 variant allele, 1 heterozygote.
Comment: This variant changes 1 nucleotide in exon 9/10 of the MSH6 gene, creating a premature translation stop signal. This variant is expected to result in an absent or non-functional protein product. To our knowledge, this variant has not been reported in individuals affected with MSH6-related disorders in the literature. This variant has not been identified in the general population by the Genome Aggregation Database (gnomAD). Loss of MSH6 function is a known mechanism of disease. Based on the available evidence, this variant is classified as Pathogenic.

This study involves interpretation of variants in research participants for the purpose of population health screening. Participant phenotype was not available at the time of variant classification. Additional details can be found in publication PMID: 35346344, PMCID: PMC8962531

Myriad Genetics, Inc.
Classification: Pathogenic for Lynch syndrome 5. Last evaluated: 2023-08-25. Review status: criteria provided, single submitter. Criteria: Myriad Autosomal Dominant, Autosomal Recessive and X-Linked Classification Criteria (2023). Collection method: clinical testing. Allele origin: unknown.
Comment: This variant is considered pathogenic. This variant creates a termination codon and is predicted to result in premature protein truncation.

Labcorp Genetics (formerly Invitae), Labcorp
Classification: Pathogenic for Hereditary nonpolyposis colorectal neoplasms. Last evaluated: 2022-11-14. Review status: criteria provided, single submitter. Criteria: Invitae Variant Classification Sherloc (09022015). Collection method: clinical testing. Allele origin: germline.
Comment: This sequence change creates a premature translational stop signal (p.Tyr1287*) in the MSH6 gene. It is expected to result in an absent or disrupted protein product. Loss-of-function variants in MSH6 are known to be pathogenic (PMID: 18269114, 24362816). This variant is not present in population databases (gnomAD no frequency). This variant has not been reported in the literature in individuals affected with MSH6-related conditions. ClinVar contains an entry for this variant (Variation ID: 824317). For these reasons, this variant has been classified as Pathogenic.

GeneDx
Classification: Pathogenic. Last evaluated: 2020-04-10. Review status: criteria provided, single submitter. Criteria: GeneDx Variant Classification Process June 2021. Collection method: clinical testing. Allele origin: germline. Affected: yes.
Comment: Nonsense variant predicted to result in protein truncation or nonsense mediated decay in a gene for which loss-of-function is a known mechanism of disease; Not observed in large population cohorts (Lek et al., 2016); Truncating variants in this gene are considered pathogenic by a well-established clinical consortium and/or database; Has not been previously published as pathogenic or benign to our knowledge; This variant is associated with the following publications: (PMID: 29710228)

Literature cited by the submitters: PubMed 18269114 (cited by Labcorp Genetics (formerly Invitae), Labcorp); PubMed 24362816 (cited by Labcorp Genetics (formerly Invitae), Labcorp).